The following is an entry in ClinVar:

ClinVar aggregate classification (germline): Likely benign. Review status: criteria provided, multiple submitters, no conflicts (2 of 4 stars). 2 submissions from 2 submitters: Likely benign (2). Last evaluated 2025-11-01.

Submissions (2):

CeGaT Center for Human Genetics Tuebingen
Classification: Likely benign. Last evaluated: 2025-11-01. Review status: criteria provided, single submitter. Criteria: CeGaT Center For Human Genetics Tuebingen Variant Classification Criteria Version 2. Collection method: clinical testing. Allele origin: germline. Affected: yes. Observed: 1 variant allele.
Comment: SETD1A: BP4, BP7

Blueprint Genetics
Classification: Likely benign. Last evaluated: 2024-01-10. Review status: criteria provided, single submitter. Criteria: ACMG Guidelines, 2015. Collection method: clinical testing. Allele origin: germline.

NM_014712.3(SETD1A):c.3561G>A (p.Pro1187=)

Gene: SETD1A (SET domain containing 1A, histone lysine methyltransferase; plus strand). Cytogenetic location: 16p11.2.
Variant type: single nucleotide variant.
Coding change: c.3561G>A on transcript NM_014712.3 (MANE Select); coding-DNA position 3561, G replaced by A.
Protein change: p.Pro1187=; no amino-acid change (proline 1187 retained).
Molecular consequence: synonymous variant.
Genome position (GRCh38, 1-based): chr16:30,979,347, G>A. VCF-style: chr16-30979347-G-A. GRCh37 (hg19) VCF-style: chr16-30990668-G-A.
Identifiers: ClinVar variation 4534220 (VCV004534220.7).